The following is an entry in ClinVar:

ClinVar aggregate classification (germline): Uncertain significance. Review status: criteria provided, multiple submitters, no conflicts (2 of 4 stars). 5 submissions from 5 submitters: Uncertain significance (4). 1 of the submissions does not count toward it. Last evaluated 2025-04-12.

Conditions:
Hypertrophic cardiomyopathy 14. Identifiers: MedGen C2750467, MONDO:0013197, OMIM 613251.
Hypertrophic cardiomyopathy 1 (CMH1). Also called: MYH7-Related Familial Hypertrophic Cardiomyopathy; Familial hypertrophic cardiomyopathy 1. Identifiers: MedGen C3495498, MONDO:0008647, OMIM 192600.
Atrial septal defect 3 (ASD3). Identifiers: Orphanet 1478, MedGen C3279790, MONDO:0013567, OMIM 614089.
Sick sinus syndrome 3, susceptibility to (SSS3). Identifiers: Orphanet 166282, MedGen C3279791, MONDO:0013568, OMIM 614090.
Dilated cardiomyopathy 1EE (CMD1EE). Identifiers: Orphanet 154, MedGen C2750466, MONDO:0013198, OMIM 613252.
MYH6-related disorder. Also called: MYH6-related condition; MYH6-Related Disorders.
Cardiovascular phenotype. Identifiers: MedGen CN230736.

Allele frequency attached by ClinVar (database versions not stated): gnomAD exomes below 0.00001; TOPMed below 0.00001; gnomAD 0.00001.
gnomAD v4.1: 6 of 1,614,066 alleles (0.00037%); highest among the groups gnomAD compares: African/African-American, 0.0013%; no homozygotes.

Submissions (5):

Ambry Genetics
Classification: Uncertain significance for Cardiovascular phenotype. Last evaluated: 2025-04-12. Review status: criteria provided, single submitter. Criteria: Ambry Variant Classification Scheme 2023. Collection method: clinical testing. Allele origin: germline.
Comment: The p.K597N variant (also known as c.1791A>T), located in coding exon 13 of the MYH6 gene, results from an A to T substitution at nucleotide position 1791. The lysine at codon 597 is replaced by asparagine, an amino acid with similar properties. This amino acid position is conserved. In addition, the in silico prediction for this alteration is inconclusive. Based on the available evidence, the clinical significance of this variant remains unclear.

Labcorp Genetics (formerly Invitae), Labcorp
Classification: Uncertain significance for Hypertrophic cardiomyopathy 14. Last evaluated: 2024-11-10. Review status: criteria provided, single submitter. Criteria: Invitae Variant Classification Sherloc (09022015). Collection method: clinical testing. Allele origin: germline.
Comment: This sequence change replaces lysine, which is basic and polar, with asparagine, which is neutral and polar, at codon 597 of the MYH6 protein (p.Lys597Asn). This variant is present in population databases (no rsID available, gnomAD 0.007%). This variant has not been reported in the literature in individuals affected with MYH6-related conditions. ClinVar contains an entry for this variant (Variation ID: 941025). Invitae Evidence Modeling of protein sequence and biophysical properties (such as structural, functional, and spatial information, amino acid conservation, physicochemical variation, residue mobility, and thermodynamic stability) indicates that this missense variant is expected to disrupt MYH6 protein function with a positive predictive value of 80%. In summary, the available evidence is currently insufficient to determine the role of this variant in disease. Therefore, it has been classified as a Variant of Uncertain Significance.

GeneDx
Classification: Uncertain significance. Last evaluated: 2022-12-01. Review status: criteria provided, single submitter. Criteria: GeneDx Variant Classification Process June 2021. Collection method: clinical testing. Allele origin: germline. Affected: yes.
Comment: Has not been previously published as pathogenic or benign to our knowledge; Not observed at significant frequency in large population cohorts (gnomAD); In silico analysis supports that this missense variant has a deleterious effect on protein structure/function

Fulgent Genetics
Classification: Uncertain significance for Hypertrophic cardiomyopathy 1; Hypertrophic cardiomyopathy 14; Dilated cardiomyopathy 1EE; Atrial septal defect 3; Sick sinus syndrome 3, susceptibility to. Last evaluated: 2021-11-15. Review status: criteria provided, single submitter. Criteria: ACMG Guidelines, 2015. Collection method: clinical testing. Allele origin: unknown.

PreventionGenetics, part of Exact Sciences
Classification: Uncertain significance for MYH6-related condition. Last evaluated: 2024-02-07. Review status: no assertion criteria provided. Collection method: clinical testing. Allele origin: germline. Not counted in ClinVar's aggregate classification.
Comment: The MYH6 c.1791A>T variant is predicted to result in the amino acid substitution p.Lys597Asn. To our knowledge, this variant has not been reported in the literature. This variant is reported in 0.0065% of alleles in individuals of European (Non-Finnish) descent in gnomAD. At this time, the clinical significance of this variant is uncertain due to the absence of conclusive functional and genetic evidence.

NM_002471.4(MYH6):c.1791A>T (p.Lys597Asn)

Gene: MYH6 (myosin heavy chain 6; minus strand). Cytogenetic location: 14q11.2.
Variant type: single nucleotide variant.
Coding change: c.1791A>T on transcript NM_002471.4 (MANE Select); coding-DNA position 1791, A replaced by T.
Protein change: p.Lys597Asn; replaces lysine 597 with asparagine.
Molecular consequence: missense variant.
Genome position (GRCh38, 1-based): chr14:23,398,828, T>A on the plus strand (A>T on the coding strand, the complement: MYH6 is on the minus strand). VCF-style: chr14-23398828-T-A. GRCh37 (hg19) VCF-style: chr14-23868037-T-A.
Other names: short protein forms K597N.
Identifiers: ClinVar variation 941025 (VCV000941025.14), dbSNP rs1252826013, ClinGen allele CA389020080.